The following is an entry in ClinVar:

ClinVar aggregate classification (germline): Conflicting classifications of pathogenicity. Review status: criteria provided, conflicting classifications (1 of 4 stars). 3 submissions from 3 submitters: Uncertain significance (1); Likely benign (1). 1 of the submissions does not count toward it. Last evaluated 2024-11-13.

Conditions:
Retinal dystrophy. Also called: Inherited retinal dystrophy. Identifiers: Orphanet 71862, MedGen C0854723, MeSH D058499, MONDO:0019118, HP:0000556.

Allele frequency attached by ClinVar (database versions not stated): ESP Exome Variant Server 0.00023; TOPMed 0.00024; gnomAD 0.00025 and 0.00026; gnomAD exomes 0.00036; ExAC 0.00037.
gnomAD v4.1: 948 of 1,613,652 alleles (0.059%); highest among the groups gnomAD compares: Non-Finnish European, 0.077%; no homozygotes.

Submissions (3):

Blueprint Genetics
Classification: Likely benign. Last evaluated: 2024-11-13. Review status: criteria provided, single submitter. Criteria: ACMG Guidelines, 2015. Collection method: clinical testing. Allele origin: germline.

Labcorp Genetics (formerly Invitae), Labcorp
Classification: Uncertain significance. Last evaluated: 2022-08-16. Review status: criteria provided, single submitter. Criteria: Invitae Variant Classification Sherloc (09022015). Collection method: clinical testing. Allele origin: germline.
Comment: This sequence change replaces glutamic acid, which is acidic and polar, with aspartic acid, which is acidic and polar, at codon 26 of the AGBL5 protein (p.Glu26Asp). This variant is present in population databases (rs140434382, gnomAD 0.07%). This variant has not been reported in the literature in individuals affected with AGBL5-related conditions. ClinVar contains an entry for this variant (Variation ID: 853560). Algorithms developed to predict the effect of missense changes on protein structure and function output the following: SIFT: "Tolerated"; PolyPhen-2: "Benign"; Align-GVGD: "Class C0". The aspartic acid amino acid residue is found in multiple mammalian species, which suggests that this missense change does not adversely affect protein function. In summary, the available evidence is currently insufficient to determine the role of this variant in disease. Therefore, it has been classified as a Variant of Uncertain Significance.

Institute of Human Genetics, Univ. Regensburg, Univ. Regensburg
Classification: Uncertain significance for Retinal dystrophy. Last evaluated: 2022-01-01. Review status: no assertion criteria provided. Criteria: ACMG Guidelines, 2015. Collection method: clinical testing. Allele origin: germline. Affected: yes. Not counted in ClinVar's aggregate classification.

NM_021831.6(AGBL5):c.78A>C (p.Glu26Asp)

Gene: AGBL5 (AGBL carboxypeptidase 5; plus strand). Cytogenetic location: 2p23.3.
Variant type: single nucleotide variant.
Coding change: c.78A>C on transcript NM_021831.6 (MANE Select); coding-DNA position 78, A replaced by C.
Protein change: p.Glu26Asp; replaces glutamic acid 26 with aspartic acid.
Molecular consequence: missense variant. On other transcripts: non-coding transcript variant (2).
Genome position (GRCh38, 1-based): chr2:27,053,036, A>C. VCF-style: chr2-27053036-A-C. GRCh37 (hg19) VCF-style: chr2-27275904-A-C.
Other names: c.78A>C, p.Glu26Asp (NM_001035507.3); short protein forms E26D.
Identifiers: ClinVar variation 853560 (VCV000853560.7), dbSNP rs140434382, ClinGen allele CA1567539.
Genomic context (GRCh38, chr2:27,053,036, plus strand): 5'-GGGATTGCTGTTCAGTTCTCGCTTTGATTCAGGGAATCTAGCCCACGTGGAGAAGGTGGA[A>C]TCTTTGTCCAGTGATGGGGAAGGGGTAGGAGGTGGGGCGTCAGCCCTGACCAGTGGCATT-3'
Protein context (NP_068603.4, residues 16-36): SGNLAHVEKV[Glu26Asp]SLSSDGEGVG